The following is an entry in ClinVar:

ClinVar aggregate classification (germline): Uncertain significance (1 of 4 stars; one submission).

Conditions:
AGAP2-related disorder. Also called: AGAP2-related condition.

Submission:

PreventionGenetics, part of Exact Sciences
Classification: Uncertain significance for AGAP2-related condition. Last evaluated: 2022-10-07. Review status: criteria provided, single submitter. Criteria: ACMG Guidelines, 2015. Collection method: clinical testing. Allele origin: germline.
Comment: The AGAP2 c.2642T>C variant is predicted to result in the amino acid substitution p.Val881Ala. To our knowledge, this variant has not been reported in the literature or in a large population database, indicating this variant is rare. At this time, the clinical significance of this variant is uncertain due to the absence of conclusive functional and genetic evidence.

NM_001122772.3(AGAP2):c.2642T>C (p.Val881Ala)

Genes: AGAP2 (ArfGAP with GTPase domain, ankyrin repeat and PH domain 2; minus strand), AGAP2-AS1 (AGAP2 antisense RNA 1; plus strand). Cytogenetic location: 12q14.1.
Variant type: single nucleotide variant.
Coding change: c.2642T>C on transcript NM_001122772.3 (MANE Select); coding-DNA position 2642, T replaced by C.
Protein change: p.Val881Ala; replaces valine 881 with alanine.
Molecular consequence: missense variant. On other transcripts: non-coding transcript variant (1).
Genome position (GRCh38, 1-based): chr12:57,728,061, A>G on the plus strand (T>C on the coding strand, the complement: AGAP2 is on the minus strand). VCF-style: chr12-57728061-A-G. GRCh37 (hg19) VCF-style: chr12-58121844-A-G.
Other names: c.1574T>C, p.Val525Ala (NM_014770.4); short protein forms V525A, V881A.
Identifiers: ClinVar variation 2636980 (VCV002636980.1), dbSNP rs2540841782, ClinGen allele CA385520575.